The following is an entry in ClinVar:

ClinVar aggregate classification (germline): Conflicting classifications of pathogenicity. Review status: criteria provided, conflicting classifications (1 of 4 stars). 5 submissions from 5 submitters: Likely pathogenic (1); Uncertain significance (3). 1 of the submissions does not count toward it. Last evaluated 2025-10-03.

Conditions:
Fanconi anemia, complementation group S (FANCS). Identifiers: MedGen C4554406, MONDO:0054748, OMIM 617883.
Hereditary cancer-predisposing syndrome. Also called: Tumor predisposition; Neoplastic Syndromes, Hereditary; Hereditary Cancer Syndrome; Hereditary neoplastic syndrome. Identifiers: Orphanet 140162, MedGen C0027672, MeSH D009386, MONDO:0015356.
Hereditary breast ovarian cancer syndrome. Also called: Hereditary breast and ovarian cancer syndrome (HBOC); Hereditary breast and ovarian cancer syndrome; Hereditary breast and ovarian cancer; Hereditary breast and/or ovarian cancer syndrome; Breast and ovarian cancer; BRCA1- and BRCA2-Associated Hereditary Breast and Ovarian Cancer. Identifiers: Orphanet 145, MedGen C0677776, MeSH D061325, MONDO:0003582. Disease mechanism: loss of function.
Breast-ovarian cancer, familial, susceptibility to, 1 (BROVCA1). Also called: OVARIAN CANCER, SUSCEPTIBILITY TO; BRCA1 Hereditary Breast and Ovarian Cancer. Identifiers: Orphanet 145, MedGen C2676676, MONDO:0011450, OMIM 604370. Disease mechanism: loss of function.

Allele frequency attached by ClinVar (database versions not stated): gnomAD exomes below 0.00001 and 0.00001.
gnomAD v4.1: 4 of 1,614,076 alleles (0.00025%); highest among the groups gnomAD compares: South Asian, 0.0044%; no homozygotes.

Submissions (6):

Ambry Genetics
Classification: Likely pathogenic for Hereditary cancer-predisposing syndrome. Last evaluated: 2025-10-03. Review status: criteria provided, single submitter. Criteria: Ambry Variant Classification Scheme 2023. Collection method: clinical testing. Allele origin: germline.
Comment: The p.A1708T variant (also known as c.5122G>A), located in coding exon 16 of the BRCA1 gene, results from a G to A substitution at nucleotide position 5122. The alanine at codon 1708 is replaced by threonine, an amino acid with similar properties. One functional study found that this nucleotide substitution is non-functional in a high-throughput, genome editing, haploid cell survival assay (Findlay GM et al. Nature, 2018 10;562:217-222). This amino acid position is highly conserved in available vertebrate species. In addition, this alteration is predicted to be deleterious by in silico analysis. Based on the majority of available evidence to date, this variant is likely to be pathogenic.

Labcorp Genetics (formerly Invitae), Labcorp
Classification: Uncertain significance for Hereditary breast ovarian cancer syndrome. Last evaluated: 2025-09-10. Review status: criteria provided, single submitter. Criteria: Invitae Variant Classification Sherloc (09022015). Collection method: clinical testing. Allele origin: germline.
Comment: This sequence change replaces alanine, which is neutral and non-polar, with threonine, which is neutral and polar, at codon 1708 of the BRCA1 protein (p.Ala1708Thr). This variant is present in population databases (rs397507243, gnomAD 0.003%). This variant has not been reported in the literature in individuals affected with BRCA1-related conditions. ClinVar contains an entry for this variant (Variation ID: 37639). Invitae Evidence Modeling incorporating data from in vitro experimental studies (PMID: 30209399) indicates that this missense variant is expected to disrupt BRCA1 function with a positive predictive value of 95%. Experimental studies have shown that this missense change affects BRCA1 function (PMID: 30209399). In summary, the available evidence is currently insufficient to determine the role of this variant in disease. Therefore, it has been classified as a Variant of Uncertain Significance.

Quest Diagnostics Nichols Institute San Juan Capistrano
Classification: Uncertain significance. Last evaluated: 2025-07-02. Review status: criteria provided, single submitter. Criteria: Quest Diagnostics criteria. Collection method: clinical testing. Allele origin: unknown.
Comment: The BRCA1 c.5122G>A (p.Ala1708Thr) variant has been reported in the published literature in an experimental study to have an inconclusive effect on protein function (PMID: 30209399 (2018)). The frequency of this variant in the general population (Genome Aggregation Database) is uninformative in the assessment of its pathogenicity. Analysis of this variant using bioinformatics tools for the prediction of the effect of amino acid changes on protein structure and function yielded conflicting predictions that this variant is deleterious or benign. Based on the available information, we are unable to determine the clinical significance of this variant.

Department of Pathology and Laboratory Medicine, Sinai Health System
Classification: Uncertain significance for Fanconi anemia, complementation group S. Last evaluated: 2023-02-10. Review status: criteria provided, single submitter. Criteria: ACMG Guidelines, 2015. Collection method: clinical testing. Allele origin: germline. Affected: no.

Sharing Clinical Reports Project (SCRP)
Classification: Uncertain significance for Breast-ovarian cancer, familial 1. Last evaluated: 2012-01-31. Review status: no assertion criteria provided. Collection method: clinical testing. Allele origin: germline. Not counted in ClinVar's aggregate classification.

Brotman Baty Institute, University of Washington
No classification provided (evidence only). Condition: Breast-ovarian cancer, familial 1. Review status: no classification provided. Collection method: in vitro. Allele origin: not applicable. Functional consequence: functionally_abnormal. Not counted in ClinVar's aggregate classification.
ClinVar note: "not provided" was previously submitted as the classification for the variant. However, the classification appeared to be based only on an observation of functional data so it was converted to no classification on 2025-07-30.

Literature cited by the submitters: PubMed 30209399 (cited by 4 submitters).

NM_007294.4(BRCA1):c.5122G>A (p.Ala1708Thr)

Gene: BRCA1 (BRCA1 DNA repair associated; minus strand). Cytogenetic location: 17q21.31.
Variant type: single nucleotide variant.
Coding change: c.5122G>A on transcript NM_007294.4 (MANE Select); coding-DNA position 5122, G replaced by A.
Protein change: p.Ala1708Thr; replaces alanine 1708 with threonine.
Molecular consequence: missense variant. On other transcripts: non-coding transcript variant (1).
Genome position (GRCh38, 1-based): chr17:43,063,904, C>T on the plus strand (G>A on the coding strand, the complement: BRCA1 is on the minus strand). VCF-style: chr17-43063904-C-T. GRCh37 (hg19) VCF-style: chr17-41215921-C-T.
Other names: A1706T; 5241G>A; c.5122G>A, p.Ala1708Thr (NM_001407594.1, NM_001407596.1, NM_001407597.1 and 7 more transcripts); c.5119G>A, p.Ala1707Thr (NM_001407610.1, NM_001407611.1, NM_001407612.1 and 17 more transcripts); c.5116G>A, p.Ala1706Thr (NM_001407627.1, NM_001407628.1, NM_001407629.1 and 14 more transcripts); c.5113G>A, p.Ala1705Thr (NM_001407644.1, NM_001407645.1); c.5110G>A, p.Ala1704Thr (NM_001407646.1); c.5107G>A, p.Ala1703Thr (NM_001407647.1); and 73 more; short protein forms A1708T, A1661T, A1729T, A604T, A1539T, A1619T, A1637T, A1639T.
Identifiers: ClinVar variation 37639 (VCV000037639.22), dbSNP rs397507243, ClinGen allele CA003251.